The following is an entry in ClinVar:

NM_021930.6(RINT1):c.1961C>A (p.Thr654Lys)

Genes: EFCAB10 (EF-hand calcium binding domain 10; minus strand), RINT1 (RAD50 interactor 1; plus strand). Cytogenetic location: 7q22.3.
Variant type: single nucleotide variant.
Coding change: c.1961C>A on transcript NM_021930.6 (MANE Select); coding-DNA position 1961, C replaced by A.
Protein change: p.Thr654Lys; replaces threonine 654 with lysine.
Molecular consequence: missense variant. On other transcripts: 3 prime UTR variant (3), non-coding transcript variant (1).
Genome position (GRCh38, 1-based): chr7:105,565,351, C>A. VCF-style: chr7-105565351-C-A. GRCh37 (hg19) VCF-style: chr7-105205798-C-A.
Other names: c.*96G>T (NM_001355526.2); c.*198G>T (NM_001355530.2); c.*51G>T (NM_001355531.2); c.1727C>A, p.Thr576Lys (NM_001346599.2); c.938C>A, p.Thr313Lys (NM_001346600.2, NM_001346603.2); c.1037C>A, p.Thr346Lys (NM_001346601.2); c.1961C>A (NM_021930.4); short protein forms T313K, T654K, T346K, T576K.
Identifiers: ClinVar variation 1491912 (VCV001491912.7), dbSNP rs986540926, ClinGen allele CA368814783.
Genomic context (GRCh38, chr7:105,565,351, plus strand): 5'-CATCTCAGTCAGAGCAGGCAGTGATGTCCCTGTCCAGTTCGGCTTGCCCGTTGCTGCTGA[C>A]GTTACGAGACCATTTACTTCAGTTGGAGCAGCAGCTTTGTTTCTCCTTATTTAAAATTTT-3'
Protein context (NP_068749.3, residues 644-664): LSSSACPLLL[Thr654Lys]LRDHLLQLEQ

ClinVar aggregate classification (germline): Uncertain significance. Review status: criteria provided, multiple submitters, no conflicts (2 of 4 stars). 2 submissions from 2 submitters: Uncertain significance (2). Last evaluated 2026-02-15.

gnomAD v4.1: 1 of 1,614,184 alleles (0.000062%); highest among the groups gnomAD compares: Non-Finnish European, 0.000085%; no homozygotes.

Submissions (2):

Ambry Genetics
Classification: Uncertain significance. Last evaluated: 2026-02-15. Review status: criteria provided, single submitter. Criteria: Ambry Variant Classification Scheme 2023. Collection method: clinical testing. Allele origin: germline.
Comment: The p.T654K variant (also known as c.1961C>A), located in coding exon 13 of the RINT1 gene, results from a C to A substitution at nucleotide position 1961. The threonine at codon 654 is replaced by lysine, an amino acid with similar properties. This amino acid position is conserved. In addition, this alteration is predicted to be tolerated by in silico analysis. Based on the available evidence, the clinical significance of this variant remains unclear.

Labcorp Genetics (formerly Invitae), Labcorp
Classification: Uncertain significance. Last evaluated: 2021-08-10. Review status: criteria provided, single submitter. Criteria: Invitae Variant Classification Sherloc (09022015). Collection method: clinical testing. Allele origin: germline.
Comment: In summary, the available evidence is currently insufficient to determine the role of this variant in disease. Therefore, it has been classified as a Variant of Uncertain Significance. This sequence change replaces threonine with lysine at codon 654 of the RINT1 protein (p.Thr654Lys). The threonine residue is moderately conserved and there is a moderate physicochemical difference between threonine and lysine. This variant is not present in population databases (ExAC no frequency). This variant has not been reported in the literature in individuals affected with RINT1-related conditions. Algorithms developed to predict the effect of missense changes on protein structure and function are either unavailable or do not agree on the potential impact of this missense change (SIFT: "Deleterious"; PolyPhen-2: "Benign"; Align-GVGD: "Class C0"). Algorithms developed to predict the effect of sequence changes on RNA splicing suggest that this variant may create or strengthen a splice site.